The following is an entry in ClinVar:

ClinVar aggregate classification (germline): Uncertain significance (1 of 4 stars; one submission).

Conditions:
Dilated cardiomyopathy 1W (CMD1W). Identifiers: Orphanet 154, MedGen C1969639, MONDO:0012667, OMIM 611407.

Submission:

Labcorp Genetics (formerly Invitae), Labcorp
Classification: Uncertain significance for Dilated cardiomyopathy 1W. Last evaluated: 2023-03-19. Review status: criteria provided, single submitter. Criteria: Invitae Variant Classification Sherloc (09022015). Collection method: clinical testing. Allele origin: unknown.
Comment: In summary, the available evidence is currently insufficient to determine the role of this variant in disease. Therefore, it has been classified as a Variant of Uncertain Significance. This variant has not been reported in the literature in individuals affected with VCL-related conditions. This variant is a gross deletion of the genomic region encompassing exon(s) 2 of the VCL gene. This deletion is out-of-frame, and is expected to create a premature translational stop signal and result in an absent or disrupted protein product. However, the current clinical and genetic evidence is not sufficient to establish whether loss-of-function variants in VCL cause disease.

NC_000010.10:g.(?_75802821)_(75802931_?)del

Gene: VCL (vinculin; plus strand). Cytogenetic location: 10q22.2.
Variant type: Deletion.
Identifiers: ClinVar variation 3244888 (VCV003244888.1).